The following is an entry in ClinVar:

ClinVar aggregate classification (germline): Pathogenic. Review status: criteria provided, multiple submitters, no conflicts (2 of 4 stars). 5 submissions from 5 submitters: Pathogenic (4). 1 of the submissions does not count toward it. Last evaluated 2025-12-15.

Conditions:
Familial adenomatous polyposis 1 (FAP1). Also called: FAMILIAL ADENOMATOUS POLYPOSIS 1, ATTENUATED; POLYPOSIS, ADENOMATOUS INTESTINAL. Identifiers: MedGen C2713442, MONDO:0021056, OMIM 175100. Disease mechanism: loss of function.
APC-related disorder. Also called: APC-related condition.
Hereditary cancer-predisposing syndrome. Also called: Tumor predisposition; Hereditary Cancer Syndrome; Hereditary neoplastic syndrome; Neoplastic Syndromes, Hereditary. Identifiers: Orphanet 140162, MedGen C0027672, MeSH D009386, MONDO:0015356.

Submissions (5):

Labcorp Genetics (formerly Invitae), Labcorp
Classification: Pathogenic for Familial adenomatous polyposis 1. Last evaluated: 2025-12-15. Review status: criteria provided, single submitter. Criteria: Invitae Variant Classification Sherloc (09022015). Collection method: clinical testing. Allele origin: germline.
Comment: This sequence change creates a premature translational stop signal (p.Gln1193Valfs*14) in the APC gene. While this is not anticipated to result in nonsense mediated decay, it is expected to disrupt the last 1651 amino acid(s) of the APC protein. This variant is not present in population databases (gnomAD no frequency). This premature translational stop signal has been observed in individual(s) with familial adenomatous polyposis (FAP) (PMID: 1843350, 7746201, 8730280, 9067764, 20223039, 20685668). ClinVar contains an entry for this variant (Variation ID: 411475). This variant is expected to disrupt the EB1 and HDLG binding sites, which mediate interactions with the cytoskeleton (PMID: 15311282, 17293347). While functional studies have not been performed to directly test the effect on APC protein function, this suggests that disruption of the C-terminal portion of the protein is functionally important. A different truncation (p.Tyr2645Lysfs*14) that lies downstream of this variant has been determined to be pathogenic (PMID: 9824584, 1316610, 27081525, 8381579, 22135120, internal data). This suggests that deletion of this region of the APC protein is causative of disease. For these reasons, this variant has been classified as Pathogenic.

GeneDx
Classification: Pathogenic. Last evaluated: 2025-04-01. Review status: criteria provided, single submitter. Criteria: GeneDx Variant Classification Process June 2021. Collection method: clinical testing. Allele origin: germline. Affected: yes.
Comment: Observed in individuals with a personal or family history consistent with pathogenic variants in this gene (PMID: 8730280, 14961559, 18433509); Frameshift variant predicted to result in protein truncation in a gene for which loss-of-function is a known mechanism of disease; Not observed at significant frequency in large population cohorts (gnomAD); This variant is associated with the following publications: (PMID: 7746201, 9067764, 23159591, 14961559, 20223039, 20685668, 18433509, 8730280, 31269945, 37542411)

Myriad Genetics, Inc.
Classification: Pathogenic for Familial adenomatous polyposis 1. Last evaluated: 2023-05-09. Review status: criteria provided, single submitter. Criteria: Myriad Autosomal Dominant, Autosomal Recessive and X-Linked Classification Criteria (2023). Collection method: clinical testing. Allele origin: unknown.
Comment: This variant is considered pathogenic. This variant creates a frameshift predicted to result in premature protein truncation.

Ambry Genetics
Classification: Pathogenic for Hereditary cancer-predisposing syndrome. Last evaluated: 2022-03-22. Review status: criteria provided, single submitter. Criteria: Ambry Variant Classification Scheme 2023. Collection method: clinical testing. Allele origin: germline.
Comment: The c.3577_3578delCA pathogenic mutation, located in coding exon 15 of the APC gene, results from a deletion of two nucleotides between nucleotide positions 3577 and 3578, causing a translational frameshift with a predicted alternate stop codon (p.Q1193Vfs*14). This alteration occurs at the 3' terminus of theAPC gene, is not expected to trigger nonsense-mediated mRNA decay, and impacts the last 1651 amino acids of the protein. However, premature stop codons are typically deleterious in nature and the impacted region is critical for protein function and a significant portion of the protein is affected (Ambry internal data). This alteration has been detected in individuals with personal and family histories of familial adenomatous polyposis (FAP) (Kerr SE et al. J Mol Diagn 2013;15(1):31-43; Friedl W et al. Hered Cancer Clin Pract 2005;3(3):95-114; Dobbie Z et al. J. Med. Genet. 1996;33(4):274-80; Scarano MI et al. Hum. Mutat. 1997;9(2):191-3; Gerdehsang PS et al. Intl. Journal Hum. Genet. 2017;14(4):145-150). Based on the supporting evidence, this alteration is interpreted as a disease-causing mutation.

PreventionGenetics, part of Exact Sciences
Classification: Pathogenic for APC-related condition. Last evaluated: 2024-03-07. Review status: no assertion criteria provided. Collection method: clinical testing. Allele origin: germline. Not counted in ClinVar's aggregate classification.
Comment: The APC c.3577_3578delCA variant is predicted to result in a frameshift and premature protein termination (p.Gln1193Valfs*14). This variant was reported in individuals with adenomatous polyposis coli (for example, Lagarde et al. 2010. PubMed ID: 20685668; reported as somatic mosaicism in Kim B et al 2019. PubMed ID: 31269945; Dobbie Z et al 1996. PubMed ID: 8730280; Kerr SE et al 2012. PubMed ID: 23159591). This variant has not been reported in a large population database, indicating this variant is rare. This variant is also classified as pathogenic in ClinVar. Based on above information, this variant is interpreted as pathogenic.

Literature cited by the submitters: PubMed 1843350 (cited by Labcorp Genetics (formerly Invitae), Labcorp); PubMed 7746201 (cited by Labcorp Genetics (formerly Invitae), Labcorp); PubMed 8730280 (cited by Labcorp Genetics (formerly Invitae), Labcorp and Ambry Genetics); PubMed 9067764 (cited by Labcorp Genetics (formerly Invitae), Labcorp and Ambry Genetics); PubMed 20223039 (cited by Labcorp Genetics (formerly Invitae), Labcorp and Ambry Genetics); PubMed 20685668 (cited by Labcorp Genetics (formerly Invitae), Labcorp); PubMed 15311282 (cited by Labcorp Genetics (formerly Invitae), Labcorp); PubMed 17293347 (cited by Labcorp Genetics (formerly Invitae), Labcorp); PubMed 9824584 (cited by Labcorp Genetics (formerly Invitae), Labcorp); PubMed 1316610 (cited by Labcorp Genetics (formerly Invitae), Labcorp); PubMed 27081525 (cited by Labcorp Genetics (formerly Invitae), Labcorp); PubMed 8381579 (cited by Labcorp Genetics (formerly Invitae), Labcorp); PubMed 22135120 (cited by Labcorp Genetics (formerly Invitae), Labcorp); PubMed 23159591 (cited by Ambry Genetics); PubMed 9950360 (cited by Ambry Genetics).

NM_000038.6(APC):c.3577_3578del (p.Gln1193fs)

Gene: APC (APC regulator of Wnt signaling pathway; plus strand). Cytogenetic location: 5q22.2.
Variant type: Deletion.
Coding change: c.3577_3578del on transcript NM_000038.6 (MANE Select); coding-DNA positions 3577 to 3578, 2 bases deleted (CA; older notation c.3577_3578delCA).
Protein change: p.Gln1193fs; shifts the reading frame from glutamine 1193.
Molecular consequence: frameshift variant.
Genome position (GRCh38, 1-based): chr5:112,839,171-112,839,172, CA deleted; deleting any 2 consecutive bases within chr5:112,839,170-112,839,172 gives the same sequence; the c. name uses the placement nearest the transcript's 3' end. VCF-style (leftmost placement, unchanged base first): chr5-112839169-AAC-A. GRCh37 (hg19) VCF-style: chr5-112174866-AAC-A.
Other names: c.3577_3578del, p.Gln1193fs (NM_001127510.3, NM_001354895.2); c.3523_3524del, p.Gln1175fs (NM_001127511.3); c.3631_3632del, p.Gln1211fs (NM_001354896.2); c.3607_3608del, p.Gln1203fs (NM_001354897.2); c.3502_3503del, p.Gln1168fs (NM_001354898.2); c.3493_3494del, p.Gln1165fs (NM_001354899.2); c.3454_3455del, p.Gln1152fs (NM_001354900.2); c.3577_3578del (NM_000038.5); and 6 more; short protein forms Q1165fs, Q1203fs, Q1092fs, Q1102fs, Q1134fs, Q1152fs, Q1168fs, Q1211fs.
Identifiers: ClinVar variation 411475 (VCV000411475.21), dbSNP rs1060503326, ClinGen allele CA16611810.
Genomic context (GRCh38, chr5:112,839,169, plus strand): 5'-ATGTGGATCAGCCTATTGATTATAGTTTAAAATATGCCACAGATATTCCTTCATCACAGA[AAC>A]AGTCATTTTCATTCTCAAAGAGTTCATCTGGACAAAGCAGTAAAACCGAACATATGTCTT-3'